The following is an entry in ClinVar:

NM_006516.4(SLC2A1):c.103G>T (p.Ala35Ser)

Gene: SLC2A1 (solute carrier family 2 member 1; minus strand). Cytogenetic location: 1p34.2.
Variant type: single nucleotide variant.
Coding change: c.103G>T on transcript NM_006516.4 (MANE Select); coding-DNA position 103, G replaced by T.
Protein change: p.Ala35Ser; replaces alanine 35 with serine.
Molecular consequence: missense variant.
Genome position (GRCh38, 1-based): chr1:42,943,237, C>A on the plus strand (G>T on the coding strand, the complement: SLC2A1 is on the minus strand). VCF-style: chr1-42943237-C-A. GRCh37 (hg19) VCF-style: chr1-43408908-C-A.
Other names: p.A35S:GCC>TCC; short protein forms A35S.
Identifiers: ClinVar variation 207185 (VCV000207185.51), dbSNP rs796053245, ClinGen allele CA318417.
Genomic context (GRCh38, chr1:42,943,237, plus strand): 5'-GCAACAGAGCAGGCTGGTGTCCATAAGCCAACGATGGCACAGTACTCACCTTCTGGGGGG[C>A]ATTGATGACTCCAGTGTTGTAGCCAAACTGCAGGGAGCCAAGCACTGCTCCTCCCACGGC-3'
Protein context (NP_006507.2, residues 25-45): QFGYNTGVIN[Ala35Ser]PQKVIEEFYN

ClinVar aggregate classification (germline): Uncertain significance. Review status: criteria provided, multiple submitters, no conflicts (2 of 4 stars). 9 submissions from 5 submitters: Uncertain significance (9). Last evaluated 2025-09-21.

Conditions:
Hereditary cryohydrocytosis with reduced stomatin. Also called: GLUT1 DEFICIENCY SYNDROME WITH PSEUDOHYPERKALEMIA AND HEMOLYSIS; Stomatin-deficient cryohydrocytosis with neurologic defects. Identifiers: Orphanet 168577, MedGen C1837206, MONDO:0012143, OMIM 608885.
Dystonia 9 (DYT9). Also called: CHOREOATHETOSIS, KINESIGENIC, WITH EPISODIC ATAXIA AND SPASTICITY. Identifiers: Orphanet 53583, MedGen C1832855, MONDO:0010983, OMIM 601042.
Epilepsy, idiopathic generalized, susceptibility to, 12 (EIG12). Identifiers: MedGen C3553859, MONDO:0013919, OMIM 614847.
Encephalopathy due to GLUT1 deficiency. Also called: GLUT1 deficiency syndrome 1, infantile onset, severe; Classic Glucose Transporter Type 1 Deficiency Syndrome; GLUCOSE TRANSPORT DEFECT, BLOOD-BRAIN BARRIER; Glucose transporter protein syndrome; GLUT1 deficiency syndrome 1; De Vivo disease. Identifiers: Orphanet 71277, MedGen C4551966, MONDO:0011724, OMIM 606777.
Childhood onset GLUT1 deficiency syndrome 2. Also called: GLUT1 deficiency syndrome 2; Exertion-induced paroxysmal dyskinesia; Paroxysmal exercise-induced dystonia; PxMD-SLC2A1; PAROXYSMAL EXERCISE-INDUCED DYSKINESIA WITH OR WITHOUT EPILEPSY AND/OR HEMOLYTIC ANEMIA; PAROXYSMAL EXERTION-INDUCED DYSTONIA WITH OR WITHOUT EPILEPSY AND/OR HEMOLYTIC ANEMIA. Identifiers: Orphanet 98811, MedGen C1842534, MONDO:0012805, OMIM 612126.
GLUT1 deficiency syndrome 1, autosomal recessive. Identifiers: MedGen C3149117.

Allele frequency attached by ClinVar (database versions not stated): gnomAD exomes below 0.00001 and 0.00002; TOPMed 0.00001; gnomAD 0.00002.
gnomAD v4.1: 26 of 1,611,658 alleles (0.0016%); highest among the groups gnomAD compares: Non-Finnish European, 0.002%; no homozygotes.

Submissions (9):

Labcorp Genetics (formerly Invitae), Labcorp
Classification: Uncertain significance for GLUT1 deficiency syndrome 1, autosomal recessive. Last evaluated: 2025-09-21. Review status: criteria provided, single submitter. Criteria: Invitae Variant Classification Sherloc (09022015). Collection method: clinical testing. Allele origin: germline.
Comment: This sequence change replaces alanine, which is neutral and non-polar, with serine, which is neutral and polar, at codon 35 of the SLC2A1 protein (p.Ala35Ser). This variant is present in population databases (rs796053245, gnomAD 0.007%). This variant has not been reported in the literature in individuals affected with SLC2A1-related conditions. ClinVar contains an entry for this variant (Variation ID: 207185). Invitae Evidence Modeling of protein sequence and biophysical properties (such as structural, functional, and spatial information, amino acid conservation, physicochemical variation, residue mobility, and thermodynamic stability) has been performed for this missense variant. However, the output from this modeling did not meet the statistical confidence thresholds required to predict the impact of this variant on SLC2A1 protein function. In summary, the available evidence is currently insufficient to determine the role of this variant in disease. Therefore, it has been classified as a Variant of Uncertain Significance.

Women's Health and Genetics/Laboratory Corporation of America, LabCorp
Classification: Uncertain significance. Last evaluated: 2024-01-25. Review status: criteria provided, single submitter. Criteria: LabCorp Variant Classification Summary - May 2015. Collection method: clinical testing. Allele origin: germline.
Comment: Variant summary: SLC2A1 c.103G>T (p.Ala35Ser) results in a conservative amino acid change located in the Major facilitator superfamily domain (IPR020846) of the encoded protein sequence. Four of five in-silico tools predict a benign effect of the variant on protein function. The variant allele was found at a frequency of 4e-06 in 249618 control chromosomes. The available data on variant occurrences in the general population are insufficient to allow any conclusion about variant significance. To our knowledge, no occurrence of c.103G>T in individuals affected with GLUT1 Deficiency Syndrome 1 and no experimental evidence demonstrating its impact on protein function have been reported. ClinVar contains an entry for this variant (Variation ID: 207185). Based on the evidence outlined above, the variant was classified as uncertain significance.

Genome-Nilou Lab
Classification: Uncertain significance for Epilepsy, idiopathic generalized, susceptibility to, 12. Last evaluated: 2023-04-11. Review status: criteria provided, single submitter. Criteria: ACMG Guidelines, 2015. Collection method: clinical testing. Allele origin: germline. Affected: no.

Genome-Nilou Lab
Classification: Uncertain significance for Dystonia 9. Last evaluated: 2023-04-11. Review status: criteria provided, single submitter. Criteria: ACMG Guidelines, 2015. Collection method: clinical testing. Allele origin: germline. Affected: no.

Genome-Nilou Lab
Classification: Uncertain significance for Encephalopathy due to GLUT1 deficiency. Last evaluated: 2023-04-11. Review status: criteria provided, single submitter. Criteria: ACMG Guidelines, 2015. Collection method: clinical testing. Allele origin: germline. Affected: no.

Genome-Nilou Lab
Classification: Uncertain significance for Childhood onset GLUT1 deficiency syndrome 2. Last evaluated: 2023-04-11. Review status: criteria provided, single submitter. Criteria: ACMG Guidelines, 2015. Collection method: clinical testing. Allele origin: germline. Affected: no.

Genome-Nilou Lab
Classification: Uncertain significance for Hereditary cryohydrocytosis with reduced stomatin. Last evaluated: 2023-04-11. Review status: criteria provided, single submitter. Criteria: ACMG Guidelines, 2015. Collection method: clinical testing. Allele origin: germline. Affected: no.

GeneDx
Classification: Uncertain significance. Last evaluated: 2021-04-15. Review status: criteria provided, single submitter. Criteria: GeneDx Variant Classification Process June 2021. Collection method: clinical testing. Allele origin: germline. Affected: yes.
Comment: Not observed at a significant frequency in large population cohorts (Lek et al., 2016); In silico analysis supports that this missense variant has a deleterious effect on protein structure/function; Has not been previously published as pathogenic or benign to our knowledge

CeGaT Center for Human Genetics Tuebingen
Classification: Uncertain significance. Last evaluated: 2021-04-01. Review status: criteria provided, single submitter. Criteria: CeGaT Center For Human Genetics Tuebingen Variant Classification Criteria Version 2. Collection method: clinical testing. Allele origin: germline. Affected: yes. Observed: 2 variant alleles.